The following is an entry in ClinVar:

NM_014714.4(IFT140):c.4204A>G (p.Met1402Val)

Gene: IFT140 (intraflagellar transport 140; minus strand). Cytogenetic location: 16p13.3.
Variant type: single nucleotide variant.
Coding change: c.4204A>G on transcript NM_014714.4 (MANE Select); coding-DNA position 4204, A replaced by G.
Protein change: p.Met1402Val; replaces methionine 1402 with valine.
Molecular consequence: missense variant.
Genome position (GRCh38, 1-based): chr16:1,511,129, T>C on the plus strand (A>G on the coding strand, the complement: IFT140 is on the minus strand). VCF-style: chr16-1511129-T-C. GRCh37 (hg19) VCF-style: chr16-1561130-T-C.
Other names: short protein forms M1402V.
Identifiers: ClinVar variation 1944369 (VCV001944369.5), dbSNP rs2506017535, ClinGen allele CA394222541.

ClinVar aggregate classification (germline): Uncertain significance (1 of 4 stars; one submission).

Conditions:
Saldino-Mainzer syndrome (SRTD9). Also called: Renal dysplasia, retinal pigmentary dystrophy, cerebellar ataxia and skeletal dysplasia; CONORENAL SYNDROME; short-rib thoracic dysplasia 9 with or without polydactyly; SHORT-RIB THORACIC DYSPLASIA 9 WITHOUT POLYDACTYLY. Identifiers: Orphanet 140969, MedGen C1849437, MONDO:0009964, OMIM 266920.

Submission:

Labcorp Genetics (formerly Invitae), Labcorp
Classification: Uncertain significance for Saldino-Mainzer syndrome. Last evaluated: 2022-04-13. Review status: criteria provided, single submitter. Criteria: Invitae Variant Classification Sherloc (09022015). Collection method: clinical testing. Allele origin: germline.
Comment: This sequence change replaces methionine, which is neutral and non-polar, with valine, which is neutral and non-polar, at codon 1402 of the IFT140 protein (p.Met1402Val). In summary, the available evidence is currently insufficient to determine the role of this variant in disease. Therefore, it has been classified as a Variant of Uncertain Significance. Algorithms developed to predict the effect of missense changes on protein structure and function are either unavailable or do not agree on the potential impact of this missense change (SIFT: "Deleterious"; PolyPhen-2: "Benign"; Align-GVGD: "Class C0"). This variant has not been reported in the literature in individuals affected with IFT140-related conditions. This variant is not present in population databases (gnomAD no frequency).